The following is an entry in ClinVar:

ClinVar aggregate classification (germline): Uncertain significance (1 of 4 stars; one submission).

Conditions:
Myofibrillar myopathy 5. Also called: FILAMINOPATHY, AUTOSOMAL DOMINANT; Filaminopathy (type). Identifiers: Orphanet 171445, MedGen C1836050, MONDO:0012289, OMIM 609524.
Distal myopathy with posterior leg and anterior hand involvement. Also called: WILLIAMS DISTAL MYOPATHY. Identifiers: Orphanet 63273, MedGen C3279722, MONDO:0013550, OMIM 614065.
Hypertrophic cardiomyopathy 26. Also called: Cardiomyopathy, familial hypertrophic, 26. Identifiers: Orphanet 75249, MedGen C4310749, MONDO:0014883, OMIM 617047.

Submission:

Labcorp Genetics (formerly Invitae), Labcorp
Classification: Uncertain significance for Distal myopathy with posterior leg and anterior hand involvement; Myofibrillar myopathy 5; Hypertrophic cardiomyopathy 26. Last evaluated: 2025-07-02. Review status: criteria provided, single submitter. Criteria: Invitae Variant Classification Sherloc (09022015). Collection method: clinical testing. Allele origin: germline.
Comment: This sequence change replaces phenylalanine, which is neutral and non-polar, with valine, which is neutral and non-polar, at codon 2468 of the FLNC protein (p.Phe2468Val). This variant is not present in population databases (gnomAD no frequency). This variant has not been reported in the literature in individuals affected with FLNC-related conditions. Invitae Evidence Modeling of protein sequence and biophysical properties (such as structural, functional, and spatial information, amino acid conservation, physicochemical variation, residue mobility, and thermodynamic stability) has been performed for this missense variant. However, the output from this modeling did not meet the statistical confidence thresholds required to predict the impact of this variant on FLNC protein function. In summary, the available evidence is currently insufficient to determine the role of this variant in disease. Therefore, it has been classified as a Variant of Uncertain Significance.

NM_001458.5(FLNC):c.7402T>G (p.Phe2468Val)

Genes: FLNC (filamin C; plus strand), FLNC-AS1 (FLNC antisense RNA 1; minus strand). Cytogenetic location: 7q32.1.
Variant type: single nucleotide variant.
Coding change: c.7402T>G on transcript NM_001458.5 (MANE Select); coding-DNA position 7402, T replaced by G.
Protein change: p.Phe2468Val; replaces phenylalanine 2468 with valine.
Molecular consequence: missense variant.
Genome position (GRCh38, 1-based): chr7:128,856,762, T>G. VCF-style: chr7-128856762-T-G. GRCh37 (hg19) VCF-style: chr7-128496816-T-G.
Other names: c.7303T>G, p.Phe2435Val (NM_001127487.2); short protein forms F2435V, F2468V.
Identifiers: ClinVar variation 4812357 (VCV004812357.1).